The following is an entry in ClinVar:

ClinVar aggregate classification (germline): Conflicting classifications of pathogenicity. Review status: criteria provided, conflicting classifications (1 of 4 stars). 5 submissions from 5 submitters: Uncertain significance (2); Benign (1); Likely benign (2). Last evaluated 2025-12-03.

Conditions:
Primary ciliary dyskinesia. Also called: Ciliary dyskinesia. Identifiers: Orphanet 244, MedGen C0008780, MONDO:0016575, HP:0012265.

Allele frequency attached by ClinVar (database versions not stated): gnomAD 0.00103 and 0.00108; TOPMed 0.00105; ESP Exome Variant Server 0.00118; 1000 Genomes Project 30x 0.00125; gnomAD exomes 0.00029; ExAC 0.00038; 1000 Genomes Project 0.00100.
gnomAD v4.1: 279 of 1,613,618 alleles (0.017%); highest among the groups gnomAD compares: African/African-American, 0.33%; 1 homozygote.

Submissions (5):

Labcorp Genetics (formerly Invitae), Labcorp
Classification: Likely benign for Primary ciliary dyskinesia. Last evaluated: 2025-12-03. Review status: criteria provided, single submitter. Criteria: Invitae Variant Classification Sherloc (09022015). Collection method: clinical testing. Allele origin: germline.

GeneDx
Classification: Uncertain significance. Last evaluated: 2025-04-15. Review status: criteria provided, single submitter. Criteria: GeneDx Variant Classification Process June 2021. Collection method: clinical testing. Allele origin: germline.
Comment: In silico analysis indicates that this missense variant does not alter protein structure/function; Has not been previously published as pathogenic or benign to our knowledge

Blueprint Genetics
Classification: Likely benign. Last evaluated: 2024-07-02. Review status: criteria provided, single submitter. Criteria: ACMG Guidelines, 2015. Collection method: clinical testing. Allele origin: germline.

Ambry Genetics
Classification: Benign for Primary ciliary dyskinesia. Last evaluated: 2019-10-10. Review status: criteria provided, single submitter. Criteria: Ambry Variant Classification Scheme 2023. Collection method: clinical testing. Allele origin: germline.

Center for Pediatric Genomic Medicine, Children's Mercy Hospital and Clinics
Classification: Uncertain significance. Last evaluated: 2017-04-28. Review status: criteria provided, single submitter. Criteria: ACMG Guidelines, 2015. Collection method: clinical testing. Allele origin: germline.

NM_001277115.2(DNAH11):c.8279A>G (p.Gln2760Arg)

Gene: DNAH11 (dynein axonemal heavy chain 11; plus strand). Cytogenetic location: 7p15.3.
Variant type: single nucleotide variant.
Coding change: c.8279A>G on transcript NM_001277115.2 (MANE Select); coding-DNA position 8279, A replaced by G.
Protein change: p.Gln2760Arg; replaces glutamine 2760 with arginine.
Molecular consequence: missense variant.
Genome position (GRCh38, 1-based): chr7:21,744,562, A>G. VCF-style: chr7-21744562-A-G. GRCh37 (hg19) VCF-style: chr7-21784180-A-G.
Other names: short protein forms Q2760R.
Identifiers: ClinVar variation 445678 (VCV000445678.19), dbSNP rs72657366, ClinGen allele CA4181531.
Genomic context (GRCh38, chr7:21,744,562, plus strand): 5'-ATGAATCTGCCCGTGTTTATGGAGACAAACTGATAGACAAAAAAGATTGTGATTTGTTTC[A>G]GAGAAGAATGCTGGAAACTGCTTATAAATATTTTGAAGTAAGCGTATGAATGTCAGAGGT-3'
Protein context (NP_001264044.1, residues 2750-2770): LIDKKDCDLF[Gln2760Arg]RRMLETAYKY